The following is an entry in ClinVar:

NC_000022.10:g.(?_43015779)_(43015971_?)del

Gene: CYB5R3 (cytochrome b5 reductase 3; minus strand). Cytogenetic location: 22q13.2.
Variant type: Deletion.
Identifiers: ClinVar variation 2423026 (VCV002423026.4).

ClinVar aggregate classification (germline): Pathogenic (1 of 4 stars; one submission).

Submission:

Labcorp Genetics (formerly Invitae), Labcorp
Classification: Pathogenic. Last evaluated: 2022-07-29. Review status: criteria provided, single submitter. Criteria: Invitae Variant Classification Sherloc (09022015). Collection method: clinical testing. Allele origin: germline.
Comment: For these reasons, this variant has been classified as Pathogenic. This variant disrupts a region of the CYB5R3 protein in which other variant(s) (p.Val253Met) have been determined to be pathogenic (PMID: 11159544, 11295830, 12756024, 16310381, 21349748). This suggests that this is a clinically significant region of the protein, and that variants that disrupt it are likely to be disease-causing. This variant has not been reported in the literature in individuals affected with CYB5R3-related conditions. This variant is a gross deletion of the genomic region encompassing exon(s) 9 of the CYB5R3 gene, which includes the termination codon. This deletion extends beyond the assayed region for this gene and therefore may encompass additional genes. While this deletion is not anticipated to lead to nonsense mediated decay, it is expected to alter mRNA translation or result in a truncated protein product.

Literature cited by the submitters: PubMed 11159544; PubMed 11295830; PubMed 12756024; PubMed 16310381; PubMed 21349748.